The following is an entry in ClinVar:

ClinVar aggregate classification (germline): Uncertain significance (1 of 4 stars; one submission).

Submission:

Labcorp Genetics (formerly Invitae), Labcorp
Classification: Uncertain significance. Last evaluated: 2023-12-25. Review status: criteria provided, single submitter. Criteria: Invitae Variant Classification Sherloc (09022015). Collection method: clinical testing. Allele origin: germline.
Comment: This sequence change replaces alanine, which is neutral and non-polar, with serine, which is neutral and polar, at codon 40 of the BRD4 protein (p.Ala40Ser). This variant is not present in population databases (gnomAD no frequency). This variant has not been reported in the literature in individuals affected with BRD4-related conditions. Advanced modeling of protein sequence and biophysical properties (such as structural, functional, and spatial information, amino acid conservation, physicochemical variation, residue mobility, and thermodynamic stability) performed at Invitae indicates that this missense variant is not expected to disrupt BRD4 protein function with a negative predictive value of 80%. In summary, the available evidence is currently insufficient to determine the role of this variant in disease. Therefore, it has been classified as a Variant of Uncertain Significance.

NM_001379291.1(BRD4):c.118G>T (p.Ala40Ser)

Gene: BRD4 (bromodomain containing 4; minus strand). Cytogenetic location: 19p13.12.
Variant type: single nucleotide variant.
Coding change: c.118G>T on transcript NM_001379291.1 (MANE Select); coding-DNA position 118, G replaced by T.
Protein change: p.Ala40Ser; replaces alanine 40 with serine.
Molecular consequence: missense variant.
Genome position (GRCh38, 1-based): chr19:15,272,982, C>A on the plus strand (G>T on the coding strand, the complement: BRD4 is on the minus strand). VCF-style: chr19-15272982-C-A. GRCh37 (hg19) VCF-style: chr19-15383793-C-A.
Other names: c.118G>T, p.Ala40Ser (NM_058243.3, NM_001330384.2, NM_001379292.1 and 1 more transcripts); short protein forms A40S.
Identifiers: ClinVar variation 2703606 (VCV002703606.3), dbSNP rs768982122, ClinGen allele CA404489769.